The following is an entry in ClinVar:

NM_002184.4(IL6ST):c.491+4C>T

Gene: IL6ST (interleukin 6 cytokine family signal transducer; minus strand). Cytogenetic location: 5q11.2.
Variant type: single nucleotide variant.
Coding change: c.491+4C>T on transcript NM_002184.4 (MANE Select); 4 bases into the intron after coding-DNA position 491, C replaced by T.
Molecular consequence: intron variant.
Genome position (GRCh38, 1-based): chr5:55,968,272, G>A on the plus strand (C>T on the coding strand, the complement: IL6ST is on the minus strand). VCF-style: chr5-55968272-G-A. GRCh37 (hg19) VCF-style: chr5-55264100-G-A.
Other names: p.?; c.281+4C>T (NM_001364276.2); c.-423+1278C>T (NM_001364279.2, NM_001364277.2); c.-413+1278C>T (NM_001364278.2); c.491+4C>T (NM_175767.3, NM_001190981.2, NM_001364275.2 and 1 more transcripts).
Identifiers: ClinVar variation 1170116 (VCV001170116.14), dbSNP rs3730291, ClinGen allele CA3271696.
Genomic context (GRCh38, chr5:55,968,272, plus strand): 5'-AAAATTCCAGCAAAAATGACTAACTTTAATAAATCTAACATGAAACAAATTTAAAATAAC[G>A]TACCATTCAGATTTTAAAGTGAAGTTTGTCTCCAAGTGTGTTTCCCTTCCACCATCCCAC-3'

ClinVar aggregate classification (germline): Benign. Review status: criteria provided, multiple submitters, no conflicts (2 of 4 stars). 5 submissions from 5 submitters: Benign (4). 1 of the submissions does not count toward it. Last evaluated 2026-02-02.

Conditions:
IL6ST-related disorder. Also called: IL6ST-related condition.

Allele frequency attached by ClinVar (database versions not stated): gnomAD 0.03594 and 0.03360; ESP Exome Variant Server 0.03614; gnomAD exomes 0.00286 and 0.00813; 1000 Genomes Project 30x 0.03748; 1000 Genomes Project 0.03654; ExAC 0.01026; TOPMed 0.03714.
gnomAD v4.1: 9,375 of 1,575,838 alleles (0.59%); highest among the groups gnomAD compares: African/African-American, 11%; 489 homozygotes.

Submissions (5):

Labcorp Genetics (formerly Invitae), Labcorp
Classification: Benign. Last evaluated: 2026-02-02. Review status: criteria provided, single submitter. Criteria: Invitae Variant Classification Sherloc (09022015). Collection method: clinical testing. Allele origin: germline.

Women's Health and Genetics/Laboratory Corporation of America, LabCorp
Classification: Benign. Last evaluated: 2026-01-22. Review status: criteria provided, single submitter. Criteria: LabCorp Variant Classification Summary - May 2015. Collection method: clinical testing. Allele origin: germline.

Mayo Clinic Laboratories, Mayo Clinic
Classification: Benign. Last evaluated: 2024-06-15. Review status: criteria provided, single submitter. Criteria: ACMG Guidelines, 2015. Collection method: clinical testing. Allele origin: germline. Observed: 4 variant alleles.

Breakthrough Genomics
Classification: Benign. Review status: criteria provided, single submitter. Criteria: ACMG Guidelines, 2015. Collection method: not provided. Allele origin: germline. Inheritance: Autosomal recessive inheritance. Affected: yes.

PreventionGenetics, part of Exact Sciences
Classification: Benign for IL6ST-related condition. Last evaluated: 2019-11-25. Review status: no assertion criteria provided. Collection method: clinical testing. Allele origin: germline. Not counted in ClinVar's aggregate classification.
Comment: This variant is classified as benign based on ACMG/AMP sequence variant interpretation guidelines (Richards et al. 2015 PMID: 25741868, with internal and published modifications).